The following is an entry in ClinVar:

ClinVar aggregate classification (germline): Pathogenic (1 of 4 stars; one submission).

Conditions:
Methylcobalamin deficiency type cblG (HMAG). Also called: HOMOCYSTINURIA-MEGALOBLASTIC ANEMIA, cblG COMPLEMENTATION TYPE; HOMOCYSTINURIA-MEGALOBLASTIC ANEMIA, cblG TYPE; Functional methionine synthase deficiency type cblG; HOMOCYSTINURIA-MEGALOBLASTIC ANEMIA DUE TO DEFECT IN COBALAMIN METABOLISM, cblG COMPLEMENTATION TYPE. Identifiers: Orphanet 2170, Orphanet 622, MedGen C1855128, MONDO:0009609, OMIM 250940.

Submission:

Labcorp Genetics (formerly Invitae), Labcorp
Classification: Pathogenic for Methylcobalamin deficiency type cblG. Last evaluated: 2018-08-17. Review status: criteria provided, single submitter. Criteria: Invitae Variant Classification Sherloc (09022015). Collection method: clinical testing. Allele origin: germline.
Comment: This variant is not present in population databases (ExAC no frequency). This variant has not been reported in the literature in individuals with MTR-related disease. Loss-of-function variants in MTR are known to be pathogenic (PMID: 9683607, 12068375). For these reasons, this variant has been classified as Pathogenic. This sequence change creates a premature translational stop signal (p.Ile826*) in the MTR gene. It is expected to result in an absent or disrupted protein product.

Literature cited by the submitters: PubMed 9683607; PubMed 12068375.

NM_000254.3(MTR):c.2476del (p.Asp825_Ile826insTer)

Gene: MTR (5-methyltetrahydrofolate-homocysteine methyltransferase; plus strand). Cytogenetic location: 1q43.
Variant type: Deletion.
Coding change: c.2476del on transcript NM_000254.3 (MANE Select); coding-DNA position 2476, one base deleted (A; older notation c.2476delA).
Protein change: p.Asp825_Ile826insTer.
Molecular consequence: nonsense.
Genome position (GRCh38, 1-based): chr1:236,874,728, A deleted. VCF-style (leftmost placement, unchanged base first): chr1-236874727-TA-T. GRCh37 (hg19) VCF-style: chr1-237038027-TA-T.
Other names: c.2476delA (NM_000254.2); c.2323del, p.Asp774_Ile775insTer (NM_001291939.1); c.1255del, p.Asp418_Ile419insTer (NM_001291940.2).
Identifiers: ClinVar variation 650287 (VCV000650287.6), dbSNP rs1572309822, ClinGen allele CA915942076.